The following is an entry in ClinVar:

ClinVar aggregate classification (germline): Likely benign. Review status: criteria provided, multiple submitters, no conflicts (2 of 4 stars). 2 submissions from 2 submitters: Likely benign (2). Last evaluated 2025-03-27.

Allele frequency attached by ClinVar (database versions not stated): gnomAD 0.00001.
gnomAD v4.1: 24 of 1,439,550 alleles (0.0017%); highest among the groups gnomAD compares: Non-Finnish European, 0.0022%; no homozygotes.

Submissions (2):

Labcorp Genetics (formerly Invitae), Labcorp
Classification: Likely benign. Last evaluated: 2025-03-27. Review status: criteria provided, single submitter. Criteria: Invitae Variant Classification Sherloc (09022015). Collection method: clinical testing. Allele origin: germline.

CeGaT Center for Human Genetics Tuebingen
Classification: Likely benign. Last evaluated: 2024-01-01. Review status: criteria provided, single submitter. Criteria: CeGaT Center For Human Genetics Tuebingen Variant Classification Criteria Version 2. Collection method: clinical testing. Allele origin: germline. Affected: yes. Observed: 1 variant allele.
Comment: CARMIL2: BP4, BP7

NM_001013838.3(CARMIL2):c.1431C>T (p.Asp477=)

Gene: CARMIL2 (capping protein regulator and myosin 1 linker 2; plus strand). Cytogenetic location: 16q22.1.
Variant type: single nucleotide variant.
Coding change: c.1431C>T on transcript NM_001013838.3 (MANE Select); coding-DNA position 1431, C replaced by T.
Protein change: p.Asp477=; no amino-acid change (aspartic acid 477 retained).
Molecular consequence: synonymous variant.
Genome position (GRCh38, 1-based): chr16:67,648,494, C>T. VCF-style: chr16-67648494-C-T. GRCh37 (hg19) VCF-style: chr16-67682397-C-T.
Other names: c.1323C>T, p.Asp441= (NM_001317026.3).
Identifiers: ClinVar variation 1634230 (VCV001634230.30), dbSNP rs1240662885, ClinGen allele CA496086529.
Genomic context (GRCh38, chr16:67,648,494, plus strand): 5'-CCTCAGCCGCGCGCGGACGCTGCGGCACCTGGGCCTGGCGGGCTGCAAGCTGCCGCCCGA[C>T]GCGCTCAGGTCAGTGTCGGACCCCGGCCACGCCCCCGCGGGCGCTCCCACCCTGCCCTGG-3'
Protein context (NP_001013860.1, residues 467-487): LGLAGCKLPP[Asp477=]ALRALLDGLA